The following is an entry in ClinVar:

NM_001330078.2(NRXN1):c.3769C>T (p.Arg1257Ter)

Gene: NRXN1 (neurexin 1; minus strand). Cytogenetic location: 2p16.3.
Variant type: single nucleotide variant.
Coding change: c.3769C>T on transcript NM_001330078.2 (MANE Select); coding-DNA position 3769, C replaced by T.
Protein change: p.Arg1257Ter; replaces arginine 1257 with a stop codon.
Molecular consequence: nonsense. On other transcripts: intron variant (8).
Genome position (GRCh38, 1-based): chr2:50,054,994, G>A on the plus strand (C>T on the coding strand, the complement: NRXN1 is on the minus strand). VCF-style: chr2-50054994-G-A. GRCh37 (hg19) VCF-style: chr2-50282132-G-A.
Other names: c.3889C>T, p.Arg1297Ter (NM_001135659.3); c.3745C>T, p.Arg1249Ter (NM_001330077.2, NM_001330082.2); c.3703C>T, p.Arg1235Ter (NM_001330084.2); c.3742C>T, p.Arg1248Ter (NM_001330085.2); c.3769C>T, p.Arg1257Ter (NM_001330086.2); c.664C>T, p.Arg222Ter (NM_001330091.2, NM_001330092.2); c.3766C>T, p.Arg1256Ter (NM_001330093.2); c.3757C>T, p.Arg1253Ter (NM_001330094.2); and 6 more; short protein forms R1297*, R1235*, R1248*, R1253*, R1257*, R1256*, R1249*, R222*.
Identifiers: ClinVar variation 422223 (VCV000422223.2), dbSNP rs1002820022, ClinGen allele CA16617736.

ClinVar aggregate classification (germline): Likely pathogenic (1 of 4 stars; one submission).

Submission:

GeneDx
Classification: Likely pathogenic. Last evaluated: 2016-09-20. Review status: criteria provided, single submitter. Criteria: GeneDx Variant Classification (06012015). Collection method: clinical testing. Allele origin: germline. Affected: yes.
Comment: The R1297X variant in the NRXN1 gene has not been reported previously as a pathogenic variant nor as a benign variant, to our knowledge. This variant is predicted to cause loss of normal protein function either through protein truncation or nonsense-mediated mRNA decay. The R1297X variant was not observed in approximately 5,100 individuals of European and African American ancestry in the NHLBI Exome Sequencing Project, indicating it is not a common benign variant in these populations. We interpret R1297X as a likely pathogenic variant.